The following is an entry in ClinVar:

NM_001145358.2(SIN3A):c.1773G>A (p.Trp591Ter)

Gene: SIN3A (SIN3 transcription regulator family member A; minus strand). Cytogenetic location: 15q24.2.
Variant type: single nucleotide variant.
Coding change: c.1773G>A on transcript NM_001145358.2 (MANE Select); coding-DNA position 1773, G replaced by A.
Protein change: p.Trp591Ter; replaces tryptophan 591 with a stop codon.
Molecular consequence: nonsense.
Genome position (GRCh38, 1-based): chr15:75,400,121, C>T on the plus strand (G>A on the coding strand, the complement: SIN3A is on the minus strand). VCF-style: chr15-75400121-C-T. GRCh37 (hg19) VCF-style: chr15-75692462-C-T.
Other names: c.1773G>A, p.Trp591Ter (NM_001145357.2, NM_015477.3); short protein forms W591*.
Identifiers: ClinVar variation 2579879 (VCV002579879.1), dbSNP rs2542629940, ClinGen allele CA393497608.

ClinVar aggregate classification (germline): Pathogenic (1 of 4 stars; one submission).

Submission:

GeneDx
Classification: Pathogenic. Last evaluated: 2023-03-15. Review status: criteria provided, single submitter. Criteria: GeneDx Variant Classification Process June 2021. Collection method: clinical testing. Allele origin: germline. Affected: yes.
Comment: Nonsense variant predicted to result in protein truncation or nonsense mediated decay in a gene for which loss of function is a known mechanism of disease; Not observed at significant frequency in large population cohorts (gnomAD); This variant is associated with the following publications: (PMID: 33437032)